The following is an entry in ClinVar:

NM_000132.4(F8):c.1271+1G>T

Gene: F8 (coagulation factor VIII; minus strand). Cytogenetic location: Xq28.
Variant type: single nucleotide variant.
Coding change: c.1271+1G>T on transcript NM_000132.4 (MANE Select); the canonical splice donor site of the intron after coding-DNA position 1271, G replaced by T.
Molecular consequence: splice donor variant.
Genome position (GRCh38, 1-based): chrX:154,966,425, C>A on the plus strand (G>T on the coding strand, the complement: F8 is on the minus strand). VCF-style: chrX-154966425-C-A. GRCh37 (hg19) VCF-style: chrX-154194700-C-A.
Identifiers: ClinVar variation 5004696 (VCV005004696.1).
Genomic context (GRCh38, chrX:154,966,425, plus strand): 5'-AACTGGTAAGAACTTTTTGAGTATGGGGAAGAGAGAGTACCAATAGTCAAAAAGTGCTTA[C>A]CTGTCATCGGGGGCGAGGACTAAGGGAGCATAGTCCCAGTCCTCCTCTTCAGCAGCAATG-3'

ClinVar aggregate classification (germline): Likely pathogenic (1 of 4 stars; one submission).

Conditions:
Hereditary factor VIII deficiency disease (HEMA). Also called: AUTOSOMAL HEMOPHILIA A; HEMOPHILIA, CLASSIC; Hemophilia A, congenital; HEM A; Factor 8 deficiency, congenital; Hemophilia A. Identifiers: Orphanet 98878, MedGen C0019069, MONDO:0010602, OMIM 306700.

Submission:

Myriad Genetics, Inc.
Classification: Likely pathogenic for Hereditary factor VIII deficiency disease. Last evaluated: 2026-05-27. Review status: criteria provided, single submitter. Criteria: Myriad Autosomal Dominant, Autosomal Recessive and X-Linked Classification Criteria (2023). Collection method: clinical testing. Allele origin: unknown.
Comment: NM_000132.3(F8):c.1271+1G>T is a variant in a canonical splice site classified as likely pathogenic in the context of hemophilia A. c.1271+1G>T has been observed in cases with relevant disease (PMID: 32897612, 21883705). Relevant functional assessments of this variant are not available in the literature. c.1271+1G>T has not been observed in referenced population frequency databases. In summary, NM_000132.3(F8):c.1271+1G>T is a variant in a canonical splice site in a gene where loss of function is a known mechanism of disease, is predicted to disrupt protein function, and has been observed more frequently in cases with the relevant disease than in healthy populations. Please note: this variant was assessed in the context of healthy population screening.

Literature cited by the submitters: PubMed 21883705; PubMed 32897612.